The following is an entry in ClinVar:

NM_024537.4(CARS2):c.781G>A (p.Ala261Thr)

Gene: CARS2 (cysteinyl-tRNA synthetase 2, mitochondrial; minus strand). Cytogenetic location: 13q34.
Variant type: single nucleotide variant.
Coding change: c.781G>A on transcript NM_024537.4 (MANE Select); coding-DNA position 781, G replaced by A.
Protein change: p.Ala261Thr; replaces alanine 261 with threonine.
Molecular consequence: missense variant. On other transcripts: 5 prime UTR variant (1), non-coding transcript variant (2).
Genome position (GRCh38, 1-based): chr13:110,676,978, C>T on the plus strand (G>A on the coding strand, the complement: CARS2 is on the minus strand). VCF-style: chr13-110676978-C-T. GRCh37 (hg19) VCF-style: chr13-111329325-C-T.
Other names: c.-6G>A (NM_001352252.2); c.781G>A, p.Ala261Thr (NM_001352253.3); c.781G>A (NM_024537.2); short protein forms A261T.
Identifiers: ClinVar variation 1441344 (VCV001441344.8), dbSNP rs374751888, ClinGen allele CA7052081.

ClinVar aggregate classification (germline): Uncertain significance. Review status: criteria provided, multiple submitters, no conflicts (2 of 4 stars). 2 submissions from 2 submitters: Uncertain significance (2). Last evaluated 2025-01-15.

Conditions:
Inborn genetic diseases. Identifiers: MedGen C0950123, MeSH D030342.
Combined oxidative phosphorylation defect type 27. Also called: Combined oxidative phosphorylation deficiency 27. Identifiers: Orphanet 477774, MedGen C5567608, MONDO:0014728, OMIM 616672.

Allele frequency attached by ClinVar (database versions not stated): ESP Exome Variant Server 0.00008.

Submissions (2):

Labcorp Genetics (formerly Invitae), Labcorp
Classification: Uncertain significance for Combined oxidative phosphorylation defect type 27. Last evaluated: 2025-01-15. Review status: criteria provided, single submitter. Criteria: Invitae Variant Classification Sherloc (09022015). Collection method: clinical testing. Allele origin: germline.
Comment: This sequence change replaces alanine, which is neutral and non-polar, with threonine, which is neutral and polar, at codon 261 of the CARS2 protein (p.Ala261Thr). This variant is present in population databases (rs374751888, gnomAD 0.02%). This variant has not been reported in the literature in individuals affected with CARS2-related conditions. ClinVar contains an entry for this variant (Variation ID: 1441344). Invitae Evidence Modeling of protein sequence and biophysical properties (such as structural, functional, and spatial information, amino acid conservation, physicochemical variation, residue mobility, and thermodynamic stability) indicates that this missense variant is not expected to disrupt CARS2 protein function with a negative predictive value of 80%. In summary, the available evidence is currently insufficient to determine the role of this variant in disease. Therefore, it has been classified as a Variant of Uncertain Significance.

Ambry Genetics
Classification: Uncertain significance for Inborn genetic diseases. Last evaluated: 2024-12-02. Review status: criteria provided, single submitter. Criteria: Ambry Variant Classification Scheme 2023. Collection method: clinical testing. Allele origin: germline.